The following is an entry in ClinVar:

ClinVar aggregate classification (germline): Likely benign. Review status: criteria provided, multiple submitters, no conflicts (2 of 4 stars). 8 submissions from 5 submitters: Likely benign (8). Last evaluated 2025-10-31.

Conditions:
Hemolytic uremic syndrome, atypical, susceptibility to, 1. Also called: AHUS, SUSCEPTIBILITY TO, 1. Identifiers: Orphanet 2134, Orphanet 90038, MedGen C2749604, MONDO:0009335, OMIM 235400. Disease mechanism: Other.
Factor H deficiency (CFHD). Also called: CFH DEFICIENCY; COMPLEMENT FACTOR H DEFICIENCY. Identifiers: Orphanet 200421, MedGen C0398777, MONDO:0012350, OMIM 609814.
Basal laminar drusen. Also called: DRUSEN OF BRUCH MEMBRANE; DRUSEN, CUTICULAR; DRUSEN, EARLY ADULT-ONSET, GROUPED. Identifiers: Orphanet 75376, MedGen C0730295, MONDO:0007472, OMIM 126700.
Age related macular degeneration 4. Identifiers: MedGen C1853147, MONDO:0012540, OMIM 610698.

Allele frequency attached by ClinVar (database versions not stated): gnomAD 0.00009 and 0.00015; gnomAD exomes 0.00014 and 0.00019; TOPMed 0.00014; ExAC 0.00016; 1000 Genomes Project 0.00060; 1000 Genomes Project 30x 0.00062.
gnomAD v4.1: 306 of 1,613,958 alleles (0.019%); highest among the groups gnomAD compares: South Asian, 0.085%; 1 homozygote.

Submissions (8):

Labcorp Genetics (formerly Invitae), Labcorp
Classification: Likely benign. Last evaluated: 2025-10-31. Review status: criteria provided, single submitter. Criteria: Invitae Variant Classification Sherloc (09022015). Collection method: clinical testing. Allele origin: germline.

Blueprint Genetics
Classification: Likely benign. Last evaluated: 2024-10-09. Review status: criteria provided, single submitter. Criteria: ACMG Guidelines, 2015. Collection method: clinical testing. Allele origin: germline.

CeGaT Center for Human Genetics Tuebingen
Classification: Likely benign. Last evaluated: 2024-10-01. Review status: criteria provided, single submitter. Criteria: CeGaT Center For Human Genetics Tuebingen Variant Classification Criteria Version 2. Collection method: clinical testing. Allele origin: germline. Affected: yes. Observed: 1 variant allele.
Comment: CFH: BP4, BP7

Genome-Nilou Lab
Classification: Likely benign for Hemolytic uremic syndrome, atypical, susceptibility to, 1. Last evaluated: 2023-04-11. Review status: criteria provided, single submitter. Criteria: ACMG Guidelines, 2015. Collection method: clinical testing. Allele origin: germline. Affected: no.

Genome-Nilou Lab
Classification: Likely benign for Age related macular degeneration 4. Last evaluated: 2023-04-11. Review status: criteria provided, single submitter. Criteria: ACMG Guidelines, 2015. Collection method: clinical testing. Allele origin: germline. Affected: no.

Genome-Nilou Lab
Classification: Likely benign for Basal laminar drusen. Last evaluated: 2023-04-11. Review status: criteria provided, single submitter. Criteria: ACMG Guidelines, 2015. Collection method: clinical testing. Allele origin: germline. Affected: no.

Genome-Nilou Lab
Classification: Likely benign for Factor H deficiency. Last evaluated: 2023-04-11. Review status: criteria provided, single submitter. Criteria: ACMG Guidelines, 2015. Collection method: clinical testing. Allele origin: germline. Affected: no.

Fulgent Genetics
Classification: Likely benign for Basal laminar drusen; Hemolytic uremic syndrome, atypical, susceptibility to, 1; Factor H deficiency; Age related macular degeneration 4. Last evaluated: 2021-07-21. Review status: criteria provided, single submitter. Criteria: ACMG Guidelines, 2015. Collection method: clinical testing. Allele origin: unknown.

NM_000186.4(CFH):c.3318A>G (p.Thr1106=)

Gene: CFH (complement factor H; plus strand). Cytogenetic location: 1q31.3.
Variant type: single nucleotide variant.
Coding change: c.3318A>G on transcript NM_000186.4 (MANE Select); coding-DNA position 3318, A replaced by G.
Protein change: p.Thr1106=; no amino-acid change (threonine 1106 retained).
Molecular consequence: synonymous variant.
Genome position (GRCh38, 1-based): chr1:196,745,824, A>G. VCF-style: chr1-196745824-A-G. GRCh37 (hg19) VCF-style: chr1-196714954-A-G.
Identifiers: ClinVar variation 799362 (VCV000799362.28), dbSNP rs1137971, ClinGen allele CA1305934.